The following is an entry in ClinVar:

ClinVar aggregate classification (germline): Uncertain significance (1 of 4 stars; one submission).

Conditions:
Malignant hyperthermia, susceptibility to, 1 (MHS1). Also called: RYR1-Related Malignant Hyperthermia Susceptibility; Malignant hyperthermia suceptibility 1; Anesthesia related hyperthermia; Malignant hyperpyrexia; Fulminating hyperpyrexia; Pharmacogenic myopathy. Identifiers: Orphanet 423, MedGen C2930980, MONDO:0007783, OMIM 145600.

Submission:

Color Diagnostics, LLC DBA Color Health
Classification: Uncertain significance for Malignant hyperthermia, susceptibility to, 1. Last evaluated: 2025-05-25. Review status: criteria provided, single submitter. Criteria: ACMG Guidelines, 2015. Collection method: clinical testing. Allele origin: germline.
Comment: This missense variant replaces glutamic acid with aspartic acid at codon 2049 of the RYR1 protein. Computational prediction suggests that this variant may not impact protein structure and function. To our knowledge, functional studies have not been reported for this variant. This variant has not been reported in individuals affected with RYR1-related disorders in the literature. This variant has not been identified in the general population by the Genome Aggregation Database (gnomAD). The available evidence is insufficient to determine the role of this variant in disease conclusively. Therefore, this variant is classified as a Variant of Uncertain Significance.

NM_000540.3(RYR1):c.6147G>C (p.Glu2049Asp)

Gene: RYR1 (ryanodine receptor 1; plus strand). Cytogenetic location: 19q13.2.
Variant type: single nucleotide variant.
Coding change: c.6147G>C on transcript NM_000540.3 (MANE Select); coding-DNA position 6147, G replaced by C.
Protein change: p.Glu2049Asp; replaces glutamic acid 2049 with aspartic acid.
Molecular consequence: missense variant.
Genome position (GRCh38, 1-based): chr19:38,492,509, G>C. VCF-style: chr19-38492509-G-C. GRCh37 (hg19) VCF-style: chr19-38983149-G-C.
Other names: c.6147G>C, p.Glu2049Asp (NM_001042723.2); short protein forms E2049D.
Identifiers: ClinVar variation 4758701 (VCV004758701.1).
Genomic context (GRCh38, chr19:38,492,509, plus strand): 5'-AACTAATGAATGACATTTCCCGCCTTCTTGACCACTTCCAGGAATTCAGCTAGATGGAGA[G>C]GAGGAGGAACCAGAGGAAGAGACCACCCTGGGCAGCCGCCTCATGAGCCTGTTGGAGAAA-3'
Protein context (NP_000531.2, residues 2039-2059): LAHCGIQLDG[Glu2049Asp]EEEPEEETTL